The following is an entry in ClinVar:

ClinVar aggregate classification (germline): Likely benign (1 of 4 stars; one submission).

Allele frequency attached by ClinVar (database versions not stated): gnomAD 0.00599 and 0.00630; TOPMed 0.00637; 1000 Genomes Project 0.00662; 1000 Genomes Project 30x 0.00749.
gnomAD v4.1: 658 of 111,586 alleles (0.59%); highest among the groups gnomAD compares: African/African-American, 2%; 4 homozygotes.

Submission:

GeneDx
Classification: Likely benign. Last evaluated: 2018-06-19. Review status: criteria provided, single submitter. Criteria: GeneDx Variant Classification (06012015). Collection method: clinical testing. Allele origin: germline. Affected: yes.
Comment: This variant is considered likely benign or benign based on one or more of the following criteria: it is a conservative change, it occurs at a poorly conserved position in the protein, it is predicted to be benign by multiple in silico algorithms, and/or has population frequency not consistent with disease.

NM_001099922.3(ALG13):c.2530-310G>T

Gene: ALG13 (ALG13 UDP-N-acetylglucosaminyltransferase subunit; plus strand). Cytogenetic location: Xq23.
Variant type: single nucleotide variant.
Coding change: c.2530-310G>T on transcript NM_001099922.3 (MANE Select); 310 bases into the intron before coding-DNA position 2530, G replaced by T.
Molecular consequence: intron variant.
Genome position (GRCh38, 1-based): chrX:111,736,404, G>T. VCF-style: chrX-111736404-G-T. GRCh37 (hg19) VCF-style: chrX-110979632-G-T.
Other names: c.2218-310G>T (NM_001257237.2, NM_001257234.2, NM_001257230.2); c.2044-310G>T (NM_001324293.1); c.2296-310G>T (NM_001257231.2); c.2530-310G>T (NM_001324292.2).
Identifiers: ClinVar variation 674044 (VCV000674044.1), dbSNP rs142085120, ClinGen allele CA334445187.